The following is an entry in ClinVar:

NM_001122659.3(EDNRB):c.191G>T (p.Arg64Leu)

Gene: EDNRB (endothelin receptor type B; minus strand). Cytogenetic location: 13q22.3.
Variant type: single nucleotide variant.
Coding change: c.191G>T on transcript NM_001122659.3 (MANE Select); coding-DNA position 191, G replaced by T.
Protein change: p.Arg64Leu; replaces arginine 64 with leucine.
Molecular consequence: missense variant.
Genome position (GRCh38, 1-based): chr13:77,918,383, C>A on the plus strand (G>T on the coding strand, the complement: EDNRB is on the minus strand). VCF-style: chr13-77918383-C-A. GRCh37 (hg19) VCF-style: chr13-78492518-C-A.
Other names: c.191G>T (NM_000115.4); c.191G>T, p.Arg64Leu (NM_000115.5, NM_003991.4); c.461G>T, p.Arg154Leu (NM_001201397.2); short protein forms R154L, R64L.
Identifiers: ClinVar variation 882485 (VCV000882485.9), dbSNP rs201002254, ClinGen allele CA7012381.

ClinVar aggregate classification (germline): Uncertain significance. Review status: criteria provided, multiple submitters, no conflicts (2 of 4 stars). 3 submissions from 3 submitters: Uncertain significance (3). Last evaluated 2026-02-04.

Conditions:
EDNRB-related disorder. Also called: EDNRB-related condition; EDNRB-related disorders.
Hirschsprung disease, susceptibility to, 2. Identifiers: Orphanet 388, MedGen C1838564, MONDO:0010833, OMIM 600155.

Allele frequency attached by ClinVar (database versions not stated): gnomAD 0.00001; TOPMed 0.00001.
gnomAD v4.1: 36 of 1,605,108 alleles (0.0022%); highest among the groups gnomAD compares: Middle Eastern, 0.017%; no homozygotes.

Submissions (3):

PreventionGenetics, part of Exact Sciences
Classification: Uncertain significance for EDNRB-related condition. Last evaluated: 2026-02-04. Review status: criteria provided, single submitter. Criteria: ACMG Guidelines, 2015. Collection method: clinical testing. Allele origin: germline.
Comment: The EDNRB c.191G>T variant is predicted to result in the amino acid substitution p.Arg64Leu. This variant has been reported in one patient with melanoma, although pathogenicity was not established (Spica et al. 2011. PubMed ID: 21507037). This variant is reported in 0.0086% of alleles in individuals of Latino descent in gnomAD. At this time, the clinical significance of this variant is uncertain due to the absence of conclusive functional and genetic evidence.

Labcorp Genetics (formerly Invitae), Labcorp
Classification: Uncertain significance. Last evaluated: 2025-10-26. Review status: criteria provided, single submitter. Criteria: Invitae Variant Classification Sherloc (09022015). Collection method: clinical testing. Allele origin: germline.
Comment: This sequence change replaces arginine, which is basic and polar, with leucine, which is neutral and non-polar, at codon 64 of the EDNRB protein (p.Arg64Leu). This variant is present in population databases (rs201002254, gnomAD 0.009%). This variant has not been reported in the literature in individuals affected with EDNRB-related conditions. ClinVar contains an entry for this variant (Variation ID: 882485). An algorithm developed to predict the effect of missense changes on protein structure and function outputs the following: PolyPhen-2: "Benign". The leucine amino acid residue is found in multiple mammalian species, which suggests that this missense change does not adversely affect protein function. In summary, the available evidence is currently insufficient to determine the role of this variant in disease. Therefore, it has been classified as a Variant of Uncertain Significance.

Illumina Laboratory Services, Illumina
Classification: Uncertain significance for Hirschsprung disease, susceptibility to, 2. Last evaluated: 2017-11-28. Review status: criteria provided, single submitter. Criteria: ICSL Variant Classification Criteria 13 December 2019. Collection method: clinical testing. Allele origin: germline.
Comment: This variant was observed as part of a predisposition screen in an ostensibly healthy population. A literature search was performed for the gene, cDNA change, and amino acid change (where applicable). Publications were found based on this search. However, the evidence from the literature, in combination with allele frequency data from public databases where available, was not sufficient to rule this variant in or out of causing disease. Therefore, this variant is classified as a variant of unknown significance.

Literature cited by the submitters: PubMed 21507037 (cited by Illumina Laboratory Services, Illumina).